The following is an entry in ClinVar:

NM_144573.4(NEXN):c.244G>C (p.Asp82His)

Gene: NEXN (nexilin F-actin binding protein; plus strand). Cytogenetic location: 1p31.1.
Variant type: single nucleotide variant.
Coding change: c.244G>C on transcript NM_144573.4 (MANE Select); coding-DNA position 244, G replaced by C.
Protein change: p.Asp82His; replaces aspartic acid 82 with histidine.
Molecular consequence: missense variant.
Genome position (GRCh38, 1-based): chr1:77,917,984, G>C. VCF-style: chr1-77917984-G-C. GRCh37 (hg19) VCF-style: chr1-78383669-G-C.
Other names: c.52G>C, p.Asp18His (NM_001172309.2); short protein forms D82H, D18H.
Identifiers: ClinVar variation 958569 (VCV000958569.10), dbSNP rs199720912, ClinGen allele CA918598.

ClinVar aggregate classification (germline): Uncertain significance (1 of 4 stars; one submission).

Conditions:
Hypertrophic cardiomyopathy 20. Identifiers: MedGen C3151267, MONDO:0013477, OMIM 613876.
Dilated cardiomyopathy 1CC (CMD1CC). Identifiers: Orphanet 154, MedGen C2751084, MONDO:0013147, OMIM 613122.

Allele frequency attached by ClinVar (database versions not stated): gnomAD exomes below 0.00001; ExAC 0.00001; gnomAD 0.00001; 1000 Genomes Project 30x 0.00016; 1000 Genomes Project 0.00020.
gnomAD v4.1: 1 of 1,613,288 alleles (0.000062%); highest among the groups gnomAD compares: Non-Finnish European, 0.000085%; no homozygotes.

Submission:

Labcorp Genetics (formerly Invitae), Labcorp
Classification: Uncertain significance for Dilated cardiomyopathy 1CC; Hypertrophic cardiomyopathy 20. Last evaluated: 2020-06-30. Review status: criteria provided, single submitter. Criteria: Invitae Variant Classification Sherloc (09022015). Collection method: clinical testing. Allele origin: germline.
Comment: This variant has not been reported in the literature in individuals with NEXN-related conditions. This variant is present in population databases (rs199720912, ExAC 0.002%). This sequence change replaces aspartic acid with histidine at codon 82 of the NEXN protein (p.Asp82His). The aspartic acid residue is moderately conserved and there is a moderate physicochemical difference between aspartic acid and histidine. Algorithms developed to predict the effect of missense changes on protein structure and function are either unavailable or do not agree on the potential impact of this missense change (SIFT: "Deleterious"; PolyPhen-2: "Possibly Damaging"; Align-GVGD: "Class C0"). In summary, the available evidence is currently insufficient to determine the role of this variant in disease. Therefore, it has been classified as a Variant of Uncertain Significance.